The following is an entry in ClinVar:

NM_000535.7(PMS2):c.613C>G (p.Gln205Glu)

Gene: PMS2 (PMS1 homolog 2, mismatch repair system component; minus strand). Cytogenetic location: 7p22.1.
Variant type: single nucleotide variant.
Coding change: c.613C>G on transcript NM_000535.7 (MANE Select); coding-DNA position 613, C replaced by G.
Protein change: p.Gln205Glu; replaces glutamine 205 with glutamic acid.
Molecular consequence: missense variant. On other transcripts: 5 prime UTR variant (2), non-coding transcript variant (1), intron variant (1).
Genome position (GRCh38, 1-based): chr7:5,999,200, G>C on the plus strand (C>G on the coding strand, the complement: PMS2 is on the minus strand). VCF-style: chr7-5999200-G-C. GRCh37 (hg19) VCF-style: chr7-6038831-G-C.
Other names: c.208C>G, p.Gln70Glu (NM_001322003.2, NM_001322004.2, NM_001322005.2 and 2 more transcripts); c.613C>G, p.Gln205Glu (NM_001322006.2, NM_001322014.2); c.295C>G, p.Gln99Glu (NM_001322007.2, NM_001322008.2); c.-321C>G (NM_001322011.2, NM_001322012.2); c.304C>G, p.Gln102Glu (NM_001322015.2); c.133-1777C>G (NM_001322013.2); c.613C>G (NM_000535.5); short protein forms Q205E, Q99E, Q102E, Q70E.
Identifiers: ClinVar variation 492285 (VCV000492285.13), dbSNP rs758250810, ClinGen allele CA366743983.

ClinVar aggregate classification (germline): Uncertain significance. Review status: criteria provided, multiple submitters, no conflicts (2 of 4 stars). 3 submissions from 3 submitters: Uncertain significance (3). Last evaluated 2024-08-21.

Conditions:
Hereditary nonpolyposis colorectal neoplasms. Identifiers: MedGen C0009405, MeSH D003123.
Hereditary cancer-predisposing syndrome. Also called: Hereditary neoplastic syndrome; Tumor predisposition; Hereditary Cancer Syndrome; Neoplastic Syndromes, Hereditary. Identifiers: Orphanet 140162, MedGen C0027672, MeSH D009386, MONDO:0015356.

Submissions (3):

Ambry Genetics
Classification: Uncertain significance for Hereditary cancer-predisposing syndrome. Last evaluated: 2024-08-21. Review status: criteria provided, single submitter. Criteria: Ambry Variant Classification Scheme 2023. Collection method: clinical testing. Allele origin: germline.
Comment: The p.Q205E variant (also known as c.613C>G), located in coding exon 6 of the PMS2 gene, results from a C to G substitution at nucleotide position 613. The glutamine at codon 205 is replaced by glutamic acid, an amino acid with highly similar properties. This amino acid position is highly conserved in available vertebrate species. In addition, the in silico prediction for this alteration is inconclusive. Based on the available evidence, the clinical significance of this variant remains unclear.

Labcorp Genetics (formerly Invitae), Labcorp
Classification: Uncertain significance for Hereditary nonpolyposis colorectal neoplasms. Last evaluated: 2024-01-24. Review status: criteria provided, single submitter. Criteria: Invitae Variant Classification Sherloc (09022015). Collection method: clinical testing. Allele origin: germline.
Comment: This sequence change replaces glutamine, which is neutral and polar, with glutamic acid, which is acidic and polar, at codon 205 of the PMS2 protein (p.Gln205Glu). This variant is not present in population databases (gnomAD no frequency). This variant has not been reported in the literature in individuals affected with PMS2-related conditions. ClinVar contains an entry for this variant (Variation ID: 492285). Advanced modeling of protein sequence and biophysical properties (such as structural, functional, and spatial information, amino acid conservation, physicochemical variation, residue mobility, and thermodynamic stability) performed at Invitae indicates that this missense variant is expected to disrupt PMS2 protein function with a positive predictive value of 80%. This variant disrupts the p.Gln205 amino acid residue in PMS2. Other variant(s) that disrupt this residue have been determined to be pathogenic (PMID: 18602922, 25980754, 27435373). This suggests that this residue is clinically significant, and that variants that disrupt this residue are likely to be disease-causing. In summary, the available evidence is currently insufficient to determine the role of this variant in disease. Therefore, it has been classified as a Variant of Uncertain Significance.

Color Diagnostics, LLC DBA Color Health
Classification: Uncertain significance for Hereditary cancer-predisposing syndrome. Last evaluated: 2019-04-09. Review status: criteria provided, single submitter. Criteria: ACMG Guidelines, 2015. Collection method: clinical testing. Allele origin: germline.

Literature cited by the submitters: PubMed 18602922 (cited by Labcorp Genetics (formerly Invitae), Labcorp); PubMed 25980754 (cited by Labcorp Genetics (formerly Invitae), Labcorp); PubMed 27435373 (cited by Labcorp Genetics (formerly Invitae), Labcorp).